The following is an entry in ClinVar:

NM_016239.4(MYO15A):c.3337C>G (p.Arg1113Gly)

Gene: MYO15A (myosin XVA; plus strand). Cytogenetic location: 17p11.2.
Variant type: single nucleotide variant.
Coding change: c.3337C>G on transcript NM_016239.4 (MANE Select); coding-DNA position 3337, C replaced by G.
Protein change: p.Arg1113Gly; replaces arginine 1113 with glycine.
Molecular consequence: missense variant.
Genome position (GRCh38, 1-based): chr17:18,122,137, C>G. VCF-style: chr17-18122137-C-G. GRCh37 (hg19) VCF-style: chr17-18025451-C-G.
Other names: short protein forms R1113G.
Identifiers: ClinVar variation 3401249 (VCV003401249.2).

ClinVar aggregate classification (germline): Uncertain significance. Review status: criteria provided, multiple submitters, no conflicts (2 of 4 stars). 2 submissions from 2 submitters: Uncertain significance (2). Last evaluated 2025-07-23.

Conditions:
MYO15A-related disorder. Also called: MYO15A-related condition.
Inborn genetic diseases. Identifiers: MedGen C0950123, MeSH D030342.

Submissions (2):

PreventionGenetics, part of Exact Sciences
Classification: Uncertain significance for MYO15A-related condition. Last evaluated: 2025-07-23. Review status: criteria provided, single submitter. Criteria: ACMG Guidelines, 2015. Collection method: clinical testing. Allele origin: germline.
Comment: The MYO15A c.3337C>G variant is predicted to result in the amino acid substitution p.Arg1113Gly. To our knowledge, this variant has not been reported in the literature. This variant is reported in 0.017% of alleles in individuals of African descent in gnomAD. At this time, the clinical significance of this variant is uncertain due to the absence of conclusive functional and genetic evidence.

Ambry Genetics
Classification: Uncertain significance for Inborn genetic diseases. Last evaluated: 2024-08-01. Review status: criteria provided, single submitter. Criteria: Ambry Variant Classification Scheme 2023. Collection method: clinical testing. Allele origin: germline.